The following is an entry in ClinVar:

NM_152309.3(PIK3AP1):c.485C>T (p.Ser162Phe)

Gene: PIK3AP1 (phosphoinositide-3-kinase adaptor protein 1; minus strand). Cytogenetic location: 10q24.1.
Variant type: single nucleotide variant.
Coding change: c.485C>T on transcript NM_152309.3 (MANE Select); coding-DNA position 485, C replaced by T.
Protein change: p.Ser162Phe; replaces serine 162 with phenylalanine.
Molecular consequence: missense variant.
Genome position (GRCh38, 1-based): chr10:96,656,880, G>A on the plus strand (C>T on the coding strand, the complement: PIK3AP1 is on the minus strand). VCF-style: chr10-96656880-G-A. GRCh37 (hg19) VCF-style: chr10-98416637-G-A.
Other names: short protein forms S162F.
Identifiers: ClinVar variation 2501732 (VCV002501732.1), dbSNP rs779864167, ClinGen allele CA5626536.

ClinVar aggregate classification (germline): Uncertain significance (1 of 4 stars; one submission).

Allele frequency attached by ClinVar (database versions not stated): gnomAD 0.00001; TOPMed 0.00003.
gnomAD v4.1: 3 of 1,613,962 alleles (0.00019%); highest among the groups gnomAD compares: African/African-American, 0.0027%; no homozygotes.

Submission:

Center for Genomics, Ann and Robert H. Lurie Children's Hospital of Chicago
Classification: Uncertain significance. Last evaluated: 2022-08-18. Review status: criteria provided, single submitter. Criteria: ACMG Guidelines, 2015. Collection method: clinical testing. Allele origin: germline.
Comment: This variant has not been reported in the literature but is present in the Genome Aggregation Database (Highest reported MAF 0.002% (1/41404). Evolutionary conservation and computational predictive tools suggest that this variant may not impact the protein. In summary, data on this variant is insufficient for disease classification. Therefore, the clinical significance of this variant is uncertain.